The following is an entry in ClinVar:

ClinVar aggregate classification (germline): Uncertain significance. Review status: criteria provided, multiple submitters, no conflicts (2 of 4 stars). 2 submissions from 2 submitters: Uncertain significance (2). Last evaluated 2022-08-16.

Conditions:
Inborn genetic diseases. Identifiers: MedGen C0950123, MeSH D030342.

Allele frequency attached by ClinVar (database versions not stated): ExAC 0.00001; gnomAD exomes 0.00001.
gnomAD v4.1: 9 of 1,613,990 alleles (0.00056%); highest among the groups gnomAD compares: Non-Finnish European, 0.00076%; no homozygotes.

Submissions (2):

Ambry Genetics
Classification: Uncertain significance for Inborn genetic diseases. Last evaluated: 2022-08-16. Review status: criteria provided, single submitter. Criteria: Ambry Variant Classification Scheme 2023. Collection method: clinical testing. Allele origin: germline.

Labcorp Genetics (formerly Invitae), Labcorp
Classification: Uncertain significance. Last evaluated: 2022-05-18. Review status: criteria provided, single submitter. Criteria: Invitae Variant Classification Sherloc (09022015). Collection method: clinical testing. Allele origin: germline.
Comment: This sequence change replaces leucine, which is neutral and non-polar, with methionine, which is neutral and non-polar, at codon 1183 of the FREM1 protein (p.Leu1183Met). This variant is present in population databases (rs758889526, gnomAD 0.002%). This variant has not been reported in the literature in individuals affected with FREM1-related conditions. Algorithms developed to predict the effect of missense changes on protein structure and function are either unavailable or do not agree on the potential impact of this missense change (SIFT: "Deleterious"; PolyPhen-2: "Probably Damaging"; Align-GVGD: "Class C0"). In summary, the available evidence is currently insufficient to determine the role of this variant in disease. Therefore, it has been classified as a Variant of Uncertain Significance.

NM_001379081.2(FREM1):c.3547C>A (p.Leu1183Met)

Gene: FREM1 (FRAS1 related extracellular matrix 1; minus strand). Cytogenetic location: 9p22.3.
Variant type: single nucleotide variant.
Coding change: c.3547C>A on transcript NM_001379081.2 (MANE Select); coding-DNA position 3547, C replaced by A.
Protein change: p.Leu1183Met; replaces leucine 1183 with methionine.
Molecular consequence: missense variant. On other transcripts: non-coding transcript variant (2).
Genome position (GRCh38, 1-based): chr9:14,801,799, G>T on the plus strand (C>A on the coding strand, the complement: FREM1 is on the minus strand). VCF-style: chr9-14801799-G-T. GRCh37 (hg19) VCF-style: chr9-14801797-G-T.
Other names: c.3547C>A, p.Leu1183Met (NM_144966.7); short protein forms L1183M.
Identifiers: ClinVar variation 1898880 (VCV001898880.6), dbSNP rs758889526, ClinGen allele CA4990512.